The following is an entry in ClinVar:

NM_000581.4(GPX1):c.207G>C (p.Arg69=)

Gene: GPX1 (glutathione peroxidase 1; minus strand). Cytogenetic location: 3p21.31.
Variant type: single nucleotide variant.
Coding change: c.207G>C on transcript NM_000581.4 (MANE Select); coding-DNA position 207, G replaced by C.
Protein change: p.Arg69=; no amino-acid change (arginine 69 retained).
Molecular consequence: synonymous variant. On other transcripts: intron variant (1).
Genome position (GRCh38, 1-based): chr3:49,358,072, C>G on the plus strand (G>C on the coding strand, the complement: GPX1 is on the minus strand). VCF-style: chr3-49358072-C-G. GRCh37 (hg19) VCF-style: chr3-49395505-C-G.
Other names: c.207G>C, p.Arg69= (NM_001329502.2, NM_001329503.2, NM_201397.3); c.114+93G>C (NM_001329455.2).
Identifiers: ClinVar variation 4984222 (VCV004984222.1).

ClinVar aggregate classification (germline): Likely benign (1 of 4 stars; one submission).

Conditions:
GPX1-related disorder. Also called: GPX1-related condition.

Submission:

PreventionGenetics, part of Exact Sciences
Classification: Likely benign for GPX1-related condition. Last evaluated: 2025-07-16. Review status: criteria provided, single submitter. Criteria: ACMG Guidelines, 2015. Collection method: clinical testing. Allele origin: germline.
Comment: This variant is classified as likely benign based on ACMG/AMP sequence variant interpretation guidelines (Richards et al. 2015 PMID: 25741868, with internal and published modifications).